The following is an entry in ClinVar:

NM_001009944.3(PKD1):c.1308T>G (p.Cys436Trp)

Gene: PKD1 (polycystin 1, transient receptor potential channel interacting; minus strand). Cytogenetic location: 16p13.3.
Variant type: single nucleotide variant.
Coding change: c.1308T>G on transcript NM_001009944.3 (MANE Select); coding-DNA position 1308, T replaced by G.
Protein change: p.Cys436Trp; replaces cysteine 436 with tryptophan.
Molecular consequence: missense variant.
Genome position (GRCh38, 1-based): chr16:2,117,566, A>C on the plus strand (T>G on the coding strand, the complement: PKD1 is on the minus strand). VCF-style: chr16-2117566-A-C. GRCh37 (hg19) VCF-style: chr16-2167567-A-C.
Other names: p.Cys436Trp; c.1308T>G, p.Cys436Trp (NM_000296.4); short protein forms C436W.
Identifiers: ClinVar variation 4542002 (VCV004542002.1).

ClinVar aggregate classification (germline): Likely pathogenic (1 of 4 stars; one submission).

Submission:

Mayo Clinic Laboratories, Mayo Clinic
Classification: Likely pathogenic. Last evaluated: 2025-11-06. Review status: criteria provided, single submitter. Criteria: ACMG Guidelines, 2015. Collection method: clinical testing. Allele origin: germline. Observed: 2 variant alleles.
Comment: PP3_moderate, PM1, PM2_supporting, PS4_supporting

Literature cited by the submitters: PubMed 12633844.